The following is an entry in ClinVar:

ClinVar aggregate classification (germline): Conflicting classifications of pathogenicity. Review status: criteria provided, conflicting classifications (1 of 4 stars). 4 submissions from 4 submitters: Uncertain significance (3); Likely benign (1). Last evaluated 2026-02-01.

Allele frequency attached by ClinVar (database versions not stated): ExAC 0.00001; gnomAD 0.00001; gnomAD exomes 0.00001 and 0.00003; TOPMed 0.00001.
gnomAD v4.1: 8 of 1,597,832 alleles (0.0005%); highest among the groups gnomAD compares: Admixed American, 0.014%; no homozygotes.

Submissions (4):

CeGaT Center for Human Genetics Tuebingen
Classification: Uncertain significance. Last evaluated: 2026-02-01. Review status: criteria provided, single submitter. Criteria: CeGaT Center For Human Genetics Tuebingen Variant Classification Criteria Version 2. Collection method: clinical testing. Allele origin: germline. Affected: yes. Observed: 1 variant allele.
Comment: TTN: PM2

Women's Health and Genetics/Laboratory Corporation of America, LabCorp
Classification: Uncertain significance. Last evaluated: 2025-07-28. Review status: criteria provided, single submitter. Criteria: LabCorp Variant Classification Summary - May 2015. Collection method: clinical testing. Allele origin: germline.

GeneDx
Classification: Likely benign. Last evaluated: 2019-11-04. Review status: criteria provided, single submitter. Criteria: GeneDx Variant Classification Process June 2021. Collection method: clinical testing. Allele origin: germline. Affected: yes.

Eurofins Ntd Llc (ga)
Classification: Uncertain significance. Last evaluated: 2016-09-26. Review status: criteria provided, single submitter. Criteria: EGL Classification Definitions 2015. Collection method: clinical testing. Allele origin: germline. Observed: 1 variant allele, 1 heterozygote.

NM_001267550.2(TTN):c.16078A>G (p.Thr5360Ala)

Gene: TTN (titin; minus strand). Cytogenetic location: 2q31.2.
Variant type: single nucleotide variant.
Coding change: c.16078A>G on transcript NM_001267550.2 (MANE Select); coding-DNA position 16078, A replaced by G.
Protein change: p.Thr5360Ala; replaces threonine 5360 with alanine.
Molecular consequence: missense variant. On other transcripts: intron variant (3).
Genome position (GRCh38, 1-based): chr2:178,733,098, T>C on the plus strand (A>G on the coding strand, the complement: TTN is on the minus strand). VCF-style: chr2-178733098-T-C. GRCh37 (hg19) VCF-style: chr2-179597825-T-C.
Other names: c.15127A>G, p.Thr5043Ala (NM_001256850.1); c.12346A>G, p.Thr4116Ala (NM_133378.4); c.13282+4984A>G (NM_003319.4); c.13858+4984A>G (NM_133437.4); c.13657+4984A>G (NM_133432.3); short protein forms T4116A, T5360A, T5043A.
Identifiers: ClinVar variation 290481 (VCV000290481.13), dbSNP rs749081117, ClinGen allele CA2002094.